The following is an entry in ClinVar:

ClinVar aggregate classification (germline): Uncertain significance. Review status: criteria provided, multiple submitters, no conflicts (2 of 4 stars). 5 submissions from 5 submitters: Uncertain significance (4). 1 of the submissions does not count toward it. Last evaluated 2024-12-04.

Conditions:
Inborn genetic diseases. Identifiers: MedGen C0950123, MeSH D030342.
Fanconi anemia (FA). Also called: Fanconi's anemia. Identifiers: Orphanet 84, MedGen C0015625, MeSH D005199, MONDO:0019391.
Fanconi anemia complementation group G. Also called: Fanconi anemia group G; FANCG-Related Fanconi Anemia. Identifiers: Orphanet 84, MedGen C3469527, MONDO:0013565, OMIM 614082.

Allele frequency attached by ClinVar (database versions not stated): gnomAD exomes 0.00002 and 0.00006; TOPMed 0.00002; ExAC 0.00007.

Submissions (5):

Ambry Genetics
Classification: Uncertain significance for Inborn genetic diseases. Last evaluated: 2024-12-04. Review status: criteria provided, single submitter. Criteria: Ambry Variant Classification Scheme 2023. Collection method: clinical testing. Allele origin: germline.
Comment: The p.I323T variant (also known as c.968T>C), located in coding exon 8 of the FANCG gene, results from a T to C substitution at nucleotide position 968. The isoleucine at codon 323 is replaced by threonine, an amino acid with similar properties. This amino acid position is conserved. In addition, the in silico prediction for this alteration is inconclusive. Based on the available evidence, the clinical significance of this variant remains unclear.

Labcorp Genetics (formerly Invitae), Labcorp
Classification: Uncertain significance for Fanconi anemia. Last evaluated: 2024-10-11. Review status: criteria provided, single submitter. Criteria: Invitae Variant Classification Sherloc (09022015). Collection method: clinical testing. Allele origin: germline.
Comment: This sequence change replaces isoleucine, which is neutral and non-polar, with threonine, which is neutral and polar, at codon 323 of the FANCG protein (p.Ile323Thr). This variant is present in population databases (rs752346718, gnomAD 0.03%). This variant has not been reported in the literature in individuals affected with FANCG-related conditions. ClinVar contains an entry for this variant (Variation ID: 456241). Invitae Evidence Modeling of protein sequence and biophysical properties (such as structural, functional, and spatial information, amino acid conservation, physicochemical variation, residue mobility, and thermodynamic stability) indicates that this missense variant is expected to disrupt FANCG protein function with a positive predictive value of 80%. In summary, the available evidence is currently insufficient to determine the role of this variant in disease. Therefore, it has been classified as a Variant of Uncertain Significance.

Fulgent Genetics
Classification: Uncertain significance for Fanconi anemia complementation group G. Last evaluated: 2024-02-19. Review status: criteria provided, single submitter. Criteria: ACMG Guidelines, 2015. Collection method: clinical testing. Allele origin: germline.

Sema4
Classification: Uncertain significance for Fanconi anemia. Last evaluated: 2021-09-28. Review status: criteria provided, single submitter. Criteria: Sema4 Curation Guidelines. Collection method: curation. Allele origin: germline.
Comment: The FANCG c.968T>C (p.I323T) variant has not been reported in the literature to our knowledge. It was observed in 10/30616 chromosomes of the South Asian subpopulation in the large and broad cohorts of the Genome Aggregation Database (PMID: 32461654). The variant has been reported in ClinVar (Variation ID 456241). Functional studies have not been performed, and in silico predictions of the variant's effect on protein function are inconclusive. The evidence is insufficient to meet ACMG/AMP criteria for classifying the variant as benign or pathogenic. Thus, the clinical significance of this variant is currently uncertain.

Natera, Inc.
Classification: Uncertain significance for Fanconi anemia group G. Last evaluated: 2019-10-28. Review status: no assertion criteria provided. Collection method: clinical testing. Allele origin: germline. Not counted in ClinVar's aggregate classification.

NM_004629.2(FANCG):c.968T>C (p.Ile323Thr)

Gene: FANCG (FA complementation group G; minus strand). Cytogenetic location: 9p13.3.
Variant type: single nucleotide variant.
Coding change: c.968T>C on transcript NM_004629.2 (MANE Select); coding-DNA position 968, T replaced by C.
Protein change: p.Ile323Thr; replaces isoleucine 323 with threonine.
Molecular consequence: missense variant.
Genome position (GRCh38, 1-based): chr9:35,076,540, A>G on the plus strand (T>C on the coding strand, the complement: FANCG is on the minus strand). VCF-style: chr9-35076540-A-G. GRCh37 (hg19) VCF-style: chr9-35076537-A-G.
Other names: short protein forms I323T.
Identifiers: ClinVar variation 456241 (VCV000456241.8), dbSNP rs752346718, ClinGen allele CA5039877.